The following is an entry in ClinVar:

ClinVar aggregate classification (germline): Uncertain significance (1 of 4 stars; one submission).

Conditions:
Progressive microcephaly-seizures-cortical blindness-developmental delay syndrome. Also called: Seizures, cortical blindness, and microcephaly syndrome. Identifiers: Orphanet 477814, MedGen C5567650, MONDO:0014714, OMIM 616632.
Autosomal dominant nonsyndromic hearing loss 1. Also called: KONIGSMARK SYNDROME; DEAFNESS, AUTOSOMAL DOMINANT 1, WITH OR WITHOUT THROMBOCYTOPENIA. Identifiers: Orphanet 90635, MedGen C1852282, MONDO:0007424, OMIM 124900.

Submission:

Labcorp Genetics (formerly Invitae), Labcorp
Classification: Uncertain significance for Progressive microcephaly-seizures-cortical blindness-developmental delay syndrome; Autosomal dominant nonsyndromic hearing loss 1. Last evaluated: 2023-12-13. Review status: criteria provided, single submitter. Criteria: Invitae Variant Classification Sherloc (09022015). Collection method: clinical testing. Allele origin: germline.
Comment: This sequence change replaces asparagine, which is neutral and polar, with serine, which is neutral and polar, at codon 106 of the DIAPH1 protein (p.Asn106Ser). This variant is not present in population databases (gnomAD no frequency). This variant has not been reported in the literature in individuals affected with DIAPH1-related conditions. Experimental studies and prediction algorithms are not available or were not evaluated, and the functional significance of this variant is currently unknown. In summary, the available evidence is currently insufficient to determine the role of this variant in disease. Therefore, it has been classified as a Variant of Uncertain Significance.

NM_005219.5(DIAPH1):c.317A>G (p.Asn106Ser)

Gene: DIAPH1 (diaphanous related formin 1; minus strand). Cytogenetic location: 5q31.3.
Variant type: single nucleotide variant.
Coding change: c.317A>G on transcript NM_005219.5 (MANE Select); coding-DNA position 317, A replaced by G.
Protein change: p.Asn106Ser; replaces asparagine 106 with serine.
Molecular consequence: missense variant.
Genome position (GRCh38, 1-based): chr5:141,584,209, T>C on the plus strand (A>G on the coding strand, the complement: DIAPH1 is on the minus strand). VCF-style: chr5-141584209-T-C. GRCh37 (hg19) VCF-style: chr5-140963776-T-C.
Other names: c.290A>G, p.Asn97Ser (NM_001079812.3); c.317A>G, p.Asn106Ser (NM_001314007.2); short protein forms N106S, N97S.
Identifiers: ClinVar variation 2932372 (VCV002932372.3), dbSNP rs2513774078, ClinGen allele CA361544106.